The following is an entry in ClinVar:

ClinVar aggregate classification (germline): Conflicting classifications of pathogenicity. Review status: criteria provided, conflicting classifications (1 of 4 stars). 2 submissions from 2 submitters: Uncertain significance (1); Likely benign (1). Last evaluated 2025-12-27.

Conditions:
Left ventricular noncompaction 8 (LVNC8). Identifiers: Orphanet 154, Orphanet 54260, MedGen C3809288, MONDO:0014152, OMIM 615373.

Allele frequency attached by ClinVar (database versions not stated): gnomAD 0.00011 and 0.00006; gnomAD exomes 0.00011 and 0.00005; ExAC 0.00016; 1000 Genomes Project 0.00040; TOPMed 0.00004; 1000 Genomes Project 30x 0.00047.
gnomAD v4.1: 96 of 1,612,236 alleles (0.006%); highest among the groups gnomAD compares: East Asian, 0.045%; no homozygotes.

Submissions (2):

Labcorp Genetics (formerly Invitae), Labcorp
Classification: Uncertain significance for Left ventricular noncompaction 8. Last evaluated: 2025-12-27. Review status: criteria provided, single submitter. Criteria: Invitae Variant Classification Sherloc (09022015). Collection method: clinical testing. Allele origin: germline.
Comment: This sequence change replaces alanine, which is neutral and non-polar, with threonine, which is neutral and polar, at codon 688 of the PRDM16 protein (p.Ala688Thr). This variant is present in population databases (rs367580261, gnomAD 0.07%), and has an allele count higher than expected for a pathogenic variant. This variant has not been reported in the literature in individuals affected with PRDM16-related conditions. ClinVar contains an entry for this variant (Variation ID: 656336). An algorithm developed to predict the effect of missense changes on protein structure and function (PolyPhen-2) suggests that this variant is likely to be tolerated. In summary, the available evidence is currently insufficient to determine the role of this variant in disease. Therefore, it has been classified as a Variant of Uncertain Significance.

GeneDx
Classification: Likely benign. Last evaluated: 2020-09-17. Review status: criteria provided, single submitter. Criteria: GeneDx Variant Classification Process June 2021. Collection method: clinical testing. Allele origin: germline. Affected: yes.

NM_022114.4(PRDM16):c.2062G>A (p.Ala688Thr)

Gene: PRDM16 (PR/SET domain 16; plus strand). Cytogenetic location: 1p36.32.
Variant type: single nucleotide variant.
Coding change: c.2062G>A on transcript NM_022114.4 (MANE Select); coding-DNA position 2062, G replaced by A.
Protein change: p.Ala688Thr; replaces alanine 688 with threonine.
Molecular consequence: missense variant.
Genome position (GRCh38, 1-based): chr1:3,412,259, G>A. VCF-style: chr1-3412259-G-A. GRCh37 (hg19) VCF-style: chr1-3328823-G-A.
Other names: c.2062G>A, p.Ala688Thr (NM_199454.3); short protein forms A688T.
Identifiers: ClinVar variation 656336 (VCV000656336.11), dbSNP rs367580261, ClinGen allele CA544371.